The following is an entry in ClinVar:

NM_000051.4(ATM):c.305A>G (p.Lys102Arg)

Gene: ATM (ATM serine/threonine kinase; plus strand). Cytogenetic location: 11q22.3.
Variant type: single nucleotide variant.
Coding change: c.305A>G on transcript NM_000051.4 (MANE Select); coding-DNA position 305, A replaced by G.
Protein change: p.Lys102Arg; replaces lysine 102 with arginine.
Molecular consequence: missense variant.
Genome position (GRCh38, 1-based): chr11:108,229,297, A>G. VCF-style: chr11-108229297-A-G. GRCh37 (hg19) VCF-style: chr11-108100024-A-G.
Other names: c.305A>G, p.Lys102Arg (NM_001351834.2, NM_001351835.2, NM_001351836.2); short protein forms K102R.
Identifiers: ClinVar variation 2453957 (VCV002453957.5), dbSNP rs1555055293, ClinGen allele CA382521747.

ClinVar aggregate classification (germline): Uncertain significance. Review status: criteria provided, multiple submitters, no conflicts (2 of 4 stars). 2 submissions from 2 submitters: Uncertain significance (2). Last evaluated 2024-11-10.

Conditions:
Ataxia-telangiectasia syndrome (AT). Also called: Ataxia-telangiectasia, complementation group D; AT, COMPLEMENTATION GROUP C; Cerebello-oculocutaneous telangiectasia; Immunodeficiency with ataxia telangiectasia; Ataxia-telangiectasia, complementation group E; Ataxia telangiectasia (A-T). Identifiers: Orphanet 100, MedGen C0004135, MONDO:0008840, OMIM 208900.
Hereditary cancer-predisposing syndrome. Also called: Hereditary neoplastic syndrome; Tumor predisposition; Neoplastic Syndromes, Hereditary; Hereditary Cancer Syndrome. Identifiers: Orphanet 140162, MedGen C0027672, MeSH D009386, MONDO:0015356.

Submissions (2):

Labcorp Genetics (formerly Invitae), Labcorp
Classification: Uncertain significance for Ataxia-telangiectasia syndrome. Last evaluated: 2024-11-10. Review status: criteria provided, single submitter. Criteria: Invitae Variant Classification Sherloc (09022015). Collection method: clinical testing. Allele origin: germline.
Comment: This sequence change replaces lysine, which is basic and polar, with arginine, which is basic and polar, at codon 102 of the ATM protein (p.Lys102Arg). This variant is not present in population databases (gnomAD no frequency). This variant has not been reported in the literature in individuals affected with ATM-related conditions. ClinVar contains an entry for this variant (Variation ID: 2453957). Invitae Evidence Modeling of protein sequence and biophysical properties (such as structural, functional, and spatial information, amino acid conservation, physicochemical variation, residue mobility, and thermodynamic stability) indicates that this missense variant is not expected to disrupt ATM protein function with a negative predictive value of 95%. In summary, the available evidence is currently insufficient to determine the role of this variant in disease. Therefore, it has been classified as a Variant of Uncertain Significance.

Ambry Genetics
Classification: Uncertain significance for Hereditary cancer-predisposing syndrome. Last evaluated: 2023-01-18. Review status: criteria provided, single submitter. Criteria: Ambry Variant Classification Scheme 2023. Collection method: clinical testing. Allele origin: germline.
Comment: The p.K102R variant (also known as c.305A>G), located in coding exon 3 of the ATM gene, results from an A to G substitution at nucleotide position 305. The lysine at codon 102 is replaced by arginine, an amino acid with highly similar properties. This amino acid position is highly conserved in available vertebrate species. In addition, this alteration is predicted to be tolerated by in silico analysis. Since supporting evidence is limited at this time, the clinical significance of this alteration remains unclear.